The following is an entry in ClinVar:

NM_017637.6(BNC2):c.3026C>T (p.Pro1009Leu)

Gene: BNC2 (basonuclin zinc finger protein 2; minus strand). Cytogenetic location: 9p22.3.
Variant type: single nucleotide variant.
Coding change: c.3026C>T on transcript NM_017637.6 (MANE Select); coding-DNA position 3026, C replaced by T.
Protein change: p.Pro1009Leu; replaces proline 1009 with leucine.
Molecular consequence: missense variant. On other transcripts: 3 prime UTR variant (1).
Genome position (GRCh38, 1-based): chr9:16,419,263, G>A on the plus strand (C>T on the coding strand, the complement: BNC2 is on the minus strand). VCF-style: chr9-16419263-G-A. GRCh37 (hg19) VCF-style: chr9-16419261-G-A.
Other names: c.*370C>T (NM_001317939.2); c.2741C>T, p.Pro914Leu (NM_001317940.2); short protein forms P1009L, P914L.
Identifiers: ClinVar variation 2254734 (VCV002254734.3), dbSNP rs1214572092, ClinGen allele CA372986874.

ClinVar aggregate classification (germline): Uncertain significance. Review status: criteria provided, multiple submitters, no conflicts (2 of 4 stars). 2 submissions from 2 submitters: Uncertain significance (2). Last evaluated 2025-08-26.

Conditions:
Inborn genetic diseases. Identifiers: MedGen C0950123, MeSH D030342.

Allele frequency attached by ClinVar (database versions not stated): gnomAD exomes below 0.00001; TOPMed 0.00001.
gnomAD v4.1: 6 of 1,614,208 alleles (0.00037%); highest among the groups gnomAD compares: East Asian, 0.0022%; no homozygotes.

Submissions (2):

Labcorp Genetics (formerly Invitae), Labcorp
Classification: Uncertain significance. Last evaluated: 2025-08-26. Review status: criteria provided, single submitter. Criteria: Invitae Variant Classification Sherloc (09022015). Collection method: clinical testing. Allele origin: germline.
Comment: This sequence change replaces proline, which is neutral and non-polar, with leucine, which is neutral and non-polar, at codon 1009 of the BNC2 protein (p.Pro1009Leu). This variant is present in population databases (no rsID available, gnomAD 0.007%). This variant has not been reported in the literature in individuals affected with BNC2-related conditions. ClinVar contains an entry for this variant (Variation ID: 2254734). An algorithm developed to predict the effect of missense changes on protein structure and function outputs the following: PolyPhen-2: "Benign". The leucine amino acid residue is found in multiple mammalian species, which suggests that this missense change does not adversely affect protein function. In summary, the available evidence is currently insufficient to determine the role of this variant in disease. Therefore, it has been classified as a Variant of Uncertain Significance.

Ambry Genetics
Classification: Uncertain significance for Inborn genetic diseases. Last evaluated: 2021-10-12. Review status: criteria provided, single submitter. Criteria: Ambry Variant Classification Scheme 2023. Collection method: clinical testing. Allele origin: germline.